The following is an entry in ClinVar:

NM_024426.6(WT1):c.888-5A>C

Gene: WT1 (WT1 transcription factor; minus strand). Cytogenetic location: 11p13.
Variant type: single nucleotide variant.
Coding change: c.888-5A>C on transcript NM_024426.6 (MANE Select); 5 bases into the intron before coding-DNA position 888, A replaced by C.
Molecular consequence: intron variant.
Genome position (GRCh38, 1-based): chr11:32,417,659, T>G on the plus strand (A>C on the coding strand, the complement: WT1 is on the minus strand). VCF-style: chr11-32417659-T-G. GRCh37 (hg19) VCF-style: chr11-32439205-T-G.
Other names: c.765-5A>C (NM_001407050.1, NM_001407047.1); c.888-5A>C (NM_001407048.1, NM_001407049.1, NM_000378.6 and 4 more transcripts); c.126-5A>C (NM_001407051.1); c.237-5A>C (NM_001198552.2, NM_001198551.2).
Identifiers: ClinVar variation 765275 (VCV000765275.12), dbSNP rs751693310, ClinGen allele CA065834.
Genomic context (GRCh38, chr11:32,417,659, plus strand): 5'-TCATCTGATTCCAGGTCATGCATTCAAGCTGGGATGTCATTTGGTATAAATTGTCACTGT[T>G]AGAAAAACATCTAGAGTTAGAAACACATAACCACAAAATAATACACAACTGTTTCTTCAA-3'

ClinVar aggregate classification (germline): Conflicting classifications of pathogenicity. Review status: criteria provided, conflicting classifications (1 of 4 stars). 3 submissions from 3 submitters: Uncertain significance (1); Likely benign (2). Last evaluated 2025-07-18.

Conditions:
Wilms tumor 1 (WT1). Also called: Wilms tumor, somatic. Identifiers: Orphanet 654, MedGen CN033288, MONDO:0008679, OMIM 194070.
11p partial monosomy syndrome (WAGR). Also called: CHROMOSOME 11p13 DELETION SYNDROME; WAGR syndrome; WAGR Spectrum Disorder; WAGR Complex. Identifiers: Orphanet 893, MedGen C0206115, MONDO:0008681, OMIM 194072.
Frasier syndrome. Identifiers: Orphanet 347, MedGen C0950122, MeSH D052159, MONDO:0007635, OMIM 136680.
Drash syndrome (DDS). Also called: NEPHROPATHY, WILMS TUMOR, AND GENITAL ANOMALIES; WILMS TUMOR AND PSEUDO- OR TRUE HERMAPHRODITISM. Identifiers: Orphanet 220, MedGen C0950121, MONDO:0008682, OMIM 194080.
Inborn genetic diseases. Identifiers: MedGen C0950123, MeSH D030342.

Allele frequency attached by ClinVar (database versions not stated): ExAC 0.00001.
gnomAD v4.1: 1 of 1,612,072 alleles (0.000062%); no homozygotes.

Submissions (3):

Ambry Genetics
Classification: Uncertain significance for Inborn genetic diseases. Last evaluated: 2025-07-18. Review status: criteria provided, single submitter. Criteria: Ambry Variant Classification Scheme 2023. Collection method: clinical testing. Allele origin: germline.
Comment: The c.873-5A>C intronic variant results from an A to C substitution 5 nucleotides upstream from coding exon 4 in the WT1 gene. This nucleotide position is not well conserved in available vertebrate species. In silico splice site analysis predicts that this alteration will not have any significant effect on splicing. Based on the available evidence, the clinical significance of this variant remains unclear.

Blueprint Genetics
Classification: Likely benign. Last evaluated: 2024-09-04. Review status: criteria provided, single submitter. Criteria: ACMG Guidelines, 2015. Collection method: clinical testing. Allele origin: germline.

Labcorp Genetics (formerly Invitae), Labcorp
Classification: Likely benign for Wilms tumor 1; Drash syndrome; 11p partial monosomy syndrome; Frasier syndrome. Last evaluated: 2022-02-20. Review status: criteria provided, single submitter. Criteria: Invitae Variant Classification Sherloc (09022015). Collection method: clinical testing. Allele origin: germline.